The following is an entry in ClinVar:

NM_001371986.1(UNC80):c.6723C>T (p.Gly2241=)

Gene: UNC80 (unc-80 subunit of NALCN channel complex; plus strand). Cytogenetic location: 2q34.
Variant type: single nucleotide variant.
Coding change: c.6723C>T on transcript NM_001371986.1 (MANE Select); coding-DNA position 6723, C replaced by T.
Protein change: p.Gly2241=; no amino-acid change (glycine 2241 retained).
Molecular consequence: synonymous variant.
Genome position (GRCh38, 1-based): chr2:209,941,297, C>T. VCF-style: chr2-209941297-C-T. GRCh37 (hg19) VCF-style: chr2-210806021-C-T.
Other names: c.6525C>T, p.Gly2175= (NM_032504.2); c.6510C>T, p.Gly2170= (NM_182587.4).
Identifiers: ClinVar variation 1470307 (VCV001470307.6), dbSNP rs2091615349, ClinGen allele CA431098490.

ClinVar aggregate classification (germline): Uncertain significance (1 of 4 stars; one submission).

Submission:

Labcorp Genetics (formerly Invitae), Labcorp
Classification: Uncertain significance. Last evaluated: 2021-09-16. Review status: criteria provided, single submitter. Criteria: Invitae Variant Classification Sherloc (09022015). Collection method: clinical testing. Allele origin: germline.
Comment: In summary, the available evidence is currently insufficient to determine the role of this variant in disease. Therefore, it has been classified as a Variant of Uncertain Significance. Algorithms developed to predict the effect of sequence changes on RNA splicing suggest that this variant may create or strengthen a splice site. This variant has not been reported in the literature in individuals affected with UNC80-related conditions. This variant is not present in population databases (ExAC no frequency). This sequence change affects codon 2175 of the UNC80 mRNA. It is a 'silent' change, meaning that it does not change the encoded amino acid sequence of the UNC80 protein.